The following is an entry in ClinVar:

ClinVar aggregate classification (germline): Uncertain significance (1 of 4 stars; one submission).

Conditions:
Marfan syndrome (MFS). Also called: MARFAN SYNDROME, TYPE I; Marfan syndrome type 1; Marfan's syndrome; Marfan syndrome, classic; FBN1-Related Marfan Syndrome. Identifiers: Orphanet 284963, Orphanet 558, MedGen C0024796, MONDO:0007947, OMIM 154700.
Familial thoracic aortic aneurysm and aortic dissection (TAAD). Also called: Thoracic aortic aneurysms and dissections. Identifiers: Orphanet 91387, MedGen C4707243, MONDO:0019625.

Submission:

Labcorp Genetics (formerly Invitae), Labcorp
Classification: Uncertain significance for Marfan syndrome; Familial thoracic aortic aneurysm and aortic dissection. Last evaluated: 2023-07-10. Review status: criteria provided, single submitter. Criteria: Invitae Variant Classification Sherloc (09022015). Collection method: clinical testing. Allele origin: germline.
Comment: In summary, the available evidence is currently insufficient to determine the role of this variant in disease. Therefore, it has been classified as a Variant of Uncertain Significance. This variant disrupts the p.Asp2166 amino acid residue in FBN1. Other variant(s) that disrupt this residue have been determined to be pathogenic (PMID: 21542060; Invitae). This suggests that this residue is clinically significant, and that variants that disrupt this residue are likely to be disease-causing. An algorithm developed to predict the effect of missense changes on protein structure and function (PolyPhen-2) suggests that this variant is likely to be tolerated. This missense change has been observed in individual(s) with Marfan syndrome (Invitae). This variant is not present in population databases (gnomAD no frequency). This sequence change replaces aspartic acid, which is acidic and polar, with glycine, which is neutral and non-polar, at codon 2166 of the FBN1 protein (p.Asp2166Gly).

Literature cited by the submitters: PubMed 21542060.

NM_000138.5(FBN1):c.6497A>G (p.Asp2166Gly)

Gene: FBN1 (fibrillin 1; minus strand). Cytogenetic location: 15q21.1.
Variant type: single nucleotide variant.
Coding change: c.6497A>G on transcript NM_000138.5 (MANE Select); coding-DNA position 6497, A replaced by G.
Protein change: p.Asp2166Gly; replaces aspartic acid 2166 with glycine.
Molecular consequence: missense variant.
Genome position (GRCh38, 1-based): chr15:48,434,713, T>C on the plus strand (A>G on the coding strand, the complement: FBN1 is on the minus strand). VCF-style: chr15-48434713-T-C. GRCh37 (hg19) VCF-style: chr15-48726910-T-C.
Other names: c.6497A>G, p.Asp2166Gly (NM_001406716.1); short protein forms D2166G.
Identifiers: ClinVar variation 2949658 (VCV002949658.3), dbSNP rs2505429711, ClinGen allele CA392335367.